The following is an entry in ClinVar:

NM_001330260.2(SCN8A):c.2624T>C (p.Leu875Pro)

Gene: SCN8A (sodium voltage-gated channel alpha subunit 8; plus strand). Cytogenetic location: 12q13.13.
Variant type: single nucleotide variant.
Coding change: c.2624T>C on transcript NM_001330260.2 (MANE Select); coding-DNA position 2624, T replaced by C.
Protein change: p.Leu875Pro; replaces leucine 875 with proline.
Molecular consequence: missense variant.
Genome position (GRCh38, 1-based): chr12:51,765,750, T>C. VCF-style: chr12-51765750-T-C. GRCh37 (hg19) VCF-style: chr12-52159534-T-C.
Other names: c.2624T>C, p.Leu875Pro (NM_001177984.3, NM_001369788.1, NM_014191.4); short protein forms L875P.
Identifiers: ClinVar variation 3781187 (VCV003781187.1).

ClinVar aggregate classification (germline): Uncertain significance (1 of 4 stars; one submission).

Submission:

GeneDx
Classification: Uncertain significance. Last evaluated: 2024-10-17. Review status: criteria provided, single submitter. Criteria: GeneDx Variant Classification Process June 2021. Collection method: clinical testing. Allele origin: germline. Affected: yes.
Comment: Not observed at significant frequency in large population cohorts (gnomAD); In silico analysis supports that this missense variant has a deleterious effect on protein structure/function; This substitution is predicted to be within the transmembrane segment S5 of the second homologous domain; Has not been previously published as pathogenic or benign to our knowledge